The following is an entry in ClinVar:

ClinVar aggregate classification (germline): Uncertain significance (1 of 4 stars; one submission).

Allele frequency attached by ClinVar (database versions not stated): gnomAD exomes below 0.00001; gnomAD 0.00001; TOPMed 0.00002; ESP Exome Variant Server 0.00008.
gnomAD v4.1: 3 of 1,611,464 alleles (0.00019%); highest among the groups gnomAD compares: African/African-American, 0.0013%; no homozygotes.

Submission:

Labcorp Genetics (formerly Invitae), Labcorp
Classification: Uncertain significance. Last evaluated: 2022-01-13. Review status: criteria provided, single submitter. Criteria: Invitae Variant Classification Sherloc (09022015). Collection method: clinical testing. Allele origin: germline.
Comment: This sequence change replaces proline, which is neutral and non-polar, with leucine, which is neutral and non-polar, at codon 800 of the COL27A1 protein (p.Pro800Leu). This variant is present in population databases (rs150829647, gnomAD 0.01%). This variant has not been reported in the literature in individuals affected with COL27A1-related conditions. Advanced modeling of protein sequence and biophysical properties (such as structural, functional, and spatial information, amino acid conservation, physicochemical variation, residue mobility, and thermodynamic stability) performed at Invitae indicates that this missense variant is not expected to disrupt COL27A1 protein function. In summary, the available evidence is currently insufficient to determine the role of this variant in disease. Therefore, it has been classified as a Variant of Uncertain Significance.

NM_032888.4(COL27A1):c.2399C>T (p.Pro800Leu)

Gene: COL27A1 (collagen type XXVII alpha 1 chain; plus strand). Cytogenetic location: 9q32.
Variant type: single nucleotide variant.
Coding change: c.2399C>T on transcript NM_032888.4 (MANE Select); coding-DNA position 2399, C replaced by T.
Protein change: p.Pro800Leu; replaces proline 800 with leucine.
Molecular consequence: missense variant.
Genome position (GRCh38, 1-based): chr9:114,219,822, C>T. VCF-style: chr9-114219822-C-T. GRCh37 (hg19) VCF-style: chr9-116982102-C-T.
Other names: short protein forms P800L.
Identifiers: ClinVar variation 1517006 (VCV001517006.5), dbSNP rs150829647, ClinGen allele CA198643546.
Genomic context (GRCh38, chr9:114,219,822, plus strand): 5'-AGATGTTTGTTCTCTCTCATGCCCTCCAGGGGTTTCCTGGAGTCTTTGGGGAAAGAGGCC[C>T]TCCTGGACTGGATGGAAATCCTGTGAGTATTTCAAGTCTTTGGGAACAGGAGCGAGATTC-3'
Protein context (NP_116277.2, residues 790-810): GFPGVFGERG[Pro800Leu]PGLDGNPGEL